The following is an entry in ClinVar:

NM_000384.3(APOB):c.8366T>C (p.Ile2789Thr)

Gene: APOB (apolipoprotein B; minus strand). Cytogenetic location: 2p24.1.
Variant type: single nucleotide variant.
Coding change: c.8366T>C on transcript NM_000384.3 (MANE Select); coding-DNA position 8366, T replaced by C.
Protein change: p.Ile2789Thr; replaces isoleucine 2789 with threonine.
Molecular consequence: missense variant.
Genome position (GRCh38, 1-based): chr2:21,008,502, A>G on the plus strand (T>C on the coding strand, the complement: APOB is on the minus strand). VCF-style: chr2-21008502-A-G. GRCh37 (hg19) VCF-style: chr2-21231374-A-G.
Other names: short protein forms I2789T.
Identifiers: ClinVar variation 5027272 (VCV005027272.1), dbSNP rs941835419.

ClinVar aggregate classification (germline): Uncertain significance (1 of 4 stars; one submission).

Conditions:
Cardiovascular phenotype. Identifiers: MedGen CN230736.

Allele frequency attached by ClinVar (database versions not stated): TOPMed 0.00001; gnomAD exomes 0.00001.
gnomAD v4.1: 27 of 1,613,976 alleles (0.0017%); highest among the groups gnomAD compares: Non-Finnish European, 0.0021%; no homozygotes.

Submission:

Ambry Genetics
Classification: Uncertain significance for Cardiovascular phenotype. Last evaluated: 2026-07-02. Review status: criteria provided, single submitter. Criteria: Ambry Variant Classification Scheme 2023. Collection method: clinical testing. Allele origin: germline.
Comment: The p.I2789T variant (also known as c.8366T>C), located in coding exon 26 of the APOB gene, results from a T to C substitution at nucleotide position 8366. The isoleucine at codon 2789 is replaced by threonine, an amino acid with similar properties. This amino acid position is conserved. In addition, this alteration is predicted to be tolerated by in silico analysis. Based on the available evidence, the clinical significance of this variant remains unclear.